The following is an entry in ClinVar:

ClinVar aggregate classification (germline): Uncertain significance (1 of 4 stars; one submission).

Conditions:
Hereditary cancer-predisposing syndrome. Also called: Neoplastic Syndromes, Hereditary; Tumor predisposition; Hereditary neoplastic syndrome; Hereditary Cancer Syndrome. Identifiers: Orphanet 140162, MedGen C0027672, MeSH D009386, MONDO:0015356.
Cardiovascular phenotype. Identifiers: MedGen CN230736.

Submission:

Ambry Genetics
Classification: Uncertain significance for Cardiovascular phenotype; Hereditary cancer-predisposing syndrome. Last evaluated: 2023-11-18. Review status: criteria provided, single submitter. Criteria: Ambry Variant Classification Scheme 2023. Collection method: clinical testing. Allele origin: germline.
Comment: The p.V602L variant (also known as c.1804G>C), located in coding exon 16 of the LZTR1 gene, results from a G to C substitution at nucleotide position 1804. The valine at codon 602 is replaced by leucine, an amino acid with highly similar properties. This amino acid position is conserved. In addition, the in silico prediction for this alteration is inconclusive. Since supporting evidence is limited at this time, the clinical significance of this alteration remains unclear.

NM_006767.4(LZTR1):c.1804G>C (p.Val602Leu)

Gene: LZTR1 (leucine zipper like post translational regulator 1; plus strand). Cytogenetic location: 22q11.21.
Variant type: single nucleotide variant.
Coding change: c.1804G>C on transcript NM_006767.4 (MANE Select); coding-DNA position 1804, G replaced by C.
Protein change: p.Val602Leu; replaces valine 602 with leucine.
Molecular consequence: missense variant.
Genome position (GRCh38, 1-based): chr22:20,994,888, G>C. VCF-style: chr22-20994888-G-C. GRCh37 (hg19) VCF-style: chr22-21349177-G-C.
Other names: short protein forms V602L.
Identifiers: ClinVar variation 3238135 (VCV003238135.1), dbSNP rs2518622331.